The following is an entry in ClinVar:

ClinVar aggregate classification (germline): Uncertain significance (1 of 4 stars; one submission).

Conditions:
Joubert syndrome 16 (JBTS16). Identifiers: Orphanet 2318, MedGen C3280906, MONDO:0013764, OMIM 614465.

Submission:

Labcorp Genetics (formerly Invitae), Labcorp
Classification: Uncertain significance for Joubert syndrome 16. Last evaluated: 2018-04-11. Review status: criteria provided, single submitter. Criteria: Invitae Variant Classification Sherloc (09022015). Collection method: clinical testing. Allele origin: germline.
Comment: This variant has not been reported in the literature in individuals with TMEM138-related disease. In summary, the available evidence is currently insufficient to determine the role of this variant in disease. Therefore, it has been classified as a Variant of Uncertain Significance. Algorithms developed to predict the effect of missense changes on protein structure and function (SIFT, PolyPhen-2, Align-GVGD) all suggest that this variant is likely to be tolerated, but these predictions have not been confirmed by published functional studies and their clinical significance is uncertain. This variant is not present in population databases (ExAC no frequency). This sequence change replaces serine with cysteine at codon 19 of the TMEM138 protein (p.Ser19Cys). The serine residue is moderately conserved and there is a moderate physicochemical difference between serine and cysteine.

NM_016464.5(TMEM138):c.56C>G (p.Ser19Cys)

Gene: TMEM138 (transmembrane protein 138; plus strand). Cytogenetic location: 11q12.2.
Variant type: single nucleotide variant.
Coding change: c.56C>G on transcript NM_016464.5 (MANE Select); coding-DNA position 56, C replaced by G.
Protein change: p.Ser19Cys; replaces serine 19 with cysteine.
Molecular consequence: missense variant. On other transcripts: non-coding transcript variant (1), intron variant (1).
Genome position (GRCh38, 1-based): chr11:61,364,446, C>G. VCF-style: chr11-61364446-C-G. GRCh37 (hg19) VCF-style: chr11-61131918-C-G.
Other names: c.-47+131C>G (NM_001330281.2); short protein forms S19C.
Identifiers: ClinVar variation 579554 (VCV000579554.8), dbSNP rs1565076874, ClinGen allele CA380677577.
Genomic context (GRCh38, chr11:61,364,446, plus strand): 5'-GGAAGATGCTCCAGACCAGTAACTACAGCCTGGTGCTCTCTCTGCAGTTCCTGCTGCTGT[C>G]CTATGACCTCTTTGTCAATTCCTTCTCAGAACTGCTCCAAAAGACTCCTGTCATCCAGCT-3'
Protein context (NP_057548.1, residues 9-29): LVLSLQFLLL[Ser19Cys]YDLFVNSFSE